The following is an entry in ClinVar:

ClinVar aggregate classification (germline): Uncertain significance (1 of 4 stars; one submission).

Allele frequency attached by ClinVar (database versions not stated): gnomAD exomes below 0.00001.
gnomAD v4.1: 1 of 1,614,146 alleles (0.000062%); highest among the groups gnomAD compares: African/African-American, 0.0013%; no homozygotes.

Submission:

GeneDx
Classification: Uncertain significance. Last evaluated: 2019-04-09. Review status: criteria provided, single submitter. Criteria: GeneDx Variant Classification Process June 2021. Collection method: clinical testing. Allele origin: germline. Affected: yes.
Comment: Not observed in large population cohorts (Lek et al., 2016); In silico analysis, which includes protein predictors and evolutionary conservation, supports a deleterious effect; Has not been previously published as pathogenic or benign to our knowledge

NM_017875.4(SLC25A38):c.101G>C (p.Gly34Ala)

Gene: SLC25A38 (solute carrier family 25 member 38; plus strand). Cytogenetic location: 3p22.1.
Variant type: single nucleotide variant.
Coding change: c.101G>C on transcript NM_017875.4 (MANE Select); coding-DNA position 101, G replaced by C.
Protein change: p.Gly34Ala; replaces glycine 34 with alanine.
Molecular consequence: missense variant.
Genome position (GRCh38, 1-based): chr3:39,389,526, G>C. VCF-style: chr3-39389526-G-C. GRCh37 (hg19) VCF-style: chr3-39431017-G-C.
Other names: c.101G>C, p.Gly34Ala (NM_001354798.2); short protein forms G34A.
Identifiers: ClinVar variation 1305057 (VCV001305057.2), dbSNP rs1436462815, ClinGen allele CA352198678.